The following is an entry in ClinVar:

NM_018136.5(ASPM):c.3752C>G (p.Thr1251Ser)

Gene: ASPM (assembly factor for spindle microtubules; minus strand). Cytogenetic location: 1q31.3.
Variant type: single nucleotide variant.
Coding change: c.3752C>G on transcript NM_018136.5 (MANE Select); coding-DNA position 3752, C replaced by G.
Protein change: p.Thr1251Ser; replaces threonine 1251 with serine.
Molecular consequence: missense variant.
Genome position (GRCh38, 1-based): chr1:197,122,033, G>C on the plus strand (C>G on the coding strand, the complement: ASPM is on the minus strand). VCF-style: chr1-197122033-G-C. GRCh37 (hg19) VCF-style: chr1-197091163-G-C.
Other names: c.3752C>G, p.Thr1251Ser (NM_001206846.2); short protein forms T1251S.
Identifiers: ClinVar variation 2041771 (VCV002041771.3), dbSNP rs1657925480, ClinGen allele CA344038170.

ClinVar aggregate classification (germline): Uncertain significance (1 of 4 stars; one submission).

Allele frequency attached by ClinVar (database versions not stated): gnomAD exomes below 0.00001; TOPMed 0.00001.
gnomAD v4.1: 3 of 1,611,684 alleles (0.00019%); highest among the groups gnomAD compares: Non-Finnish European, 0.00025%; no homozygotes.

Submission:

Labcorp Genetics (formerly Invitae), Labcorp
Classification: Uncertain significance. Last evaluated: 2022-07-21. Review status: criteria provided, single submitter. Criteria: Invitae Variant Classification Sherloc (09022015). Collection method: clinical testing. Allele origin: germline.
Comment: This sequence change replaces threonine, which is neutral and polar, with serine, which is neutral and polar, at codon 1251 of the ASPM protein (p.Thr1251Ser). In summary, the available evidence is currently insufficient to determine the role of this variant in disease. Therefore, it has been classified as a Variant of Uncertain Significance. Algorithms developed to predict the effect of missense changes on protein structure and function are either unavailable or do not agree on the potential impact of this missense change (SIFT: "Tolerated"; PolyPhen-2: "Probably Damaging"; Align-GVGD: "Class C0"). This variant has not been reported in the literature in individuals affected with ASPM-related conditions. This variant is not present in population databases (gnomAD no frequency).